The following is an entry in ClinVar:

NM_002080.4(GOT2):c.203G>A (p.Arg68Gln)

Gene: GOT2 (glutamic-oxaloacetic transaminase 2; minus strand). Cytogenetic location: 16q21.
Variant type: single nucleotide variant.
Coding change: c.203G>A on transcript NM_002080.4 (MANE Select); coding-DNA position 203, G replaced by A.
Protein change: p.Arg68Gln; replaces arginine 68 with glutamine.
Molecular consequence: missense variant.
Genome position (GRCh38, 1-based): chr16:58,723,789, C>T on the plus strand (G>A on the coding strand, the complement: GOT2 is on the minus strand). VCF-style: chr16-58723789-C-T. GRCh37 (hg19) VCF-style: chr16-58757693-C-T.
Other names: c.203G>A, p.Arg68Gln (NM_001286220.2); short protein forms R68Q.
Identifiers: ClinVar variation 1900522 (VCV001900522.2), dbSNP rs768158989, ClinGen allele CA8091127.

ClinVar aggregate classification (germline): Uncertain significance (1 of 4 stars; one submission).

Allele frequency attached by ClinVar (database versions not stated): ExAC 0.00002; gnomAD exomes 0.00002; TOPMed 0.00003; gnomAD 0.00004.
gnomAD v4.1: 37 of 1,612,984 alleles (0.0023%); highest among the groups gnomAD compares: Admixed American, 0.0033%; no homozygotes.

Submission:

Labcorp Genetics (formerly Invitae), Labcorp
Classification: Uncertain significance. Last evaluated: 2022-08-08. Review status: criteria provided, single submitter. Criteria: Invitae Variant Classification Sherloc (09022015). Collection method: clinical testing. Allele origin: germline.
Comment: This sequence change replaces arginine, which is basic and polar, with glutamine, which is neutral and polar, at codon 68 of the GOT2 protein (p.Arg68Gln). This variant is present in population databases (rs768158989, gnomAD 0.004%). This variant has not been reported in the literature in individuals affected with GOT2-related conditions. Algorithms developed to predict the effect of missense changes on protein structure and function (SIFT, PolyPhen-2, Align-GVGD) all suggest that this variant is likely to be disruptive. In summary, the available evidence is currently insufficient to determine the role of this variant in disease. Therefore, it has been classified as a Variant of Uncertain Significance.